The following is an entry in ClinVar:

ClinVar aggregate classification (germline): Uncertain significance (1 of 4 stars; one submission).

Submission:

Labcorp Genetics (formerly Invitae), Labcorp
Classification: Uncertain significance. Last evaluated: 2023-08-16. Review status: criteria provided, single submitter. Criteria: Invitae Variant Classification Sherloc (09022015). Collection method: clinical testing. Allele origin: germline.
Comment: In summary, the available evidence is currently insufficient to determine the role of this variant in disease. Therefore, it has been classified as a Variant of Uncertain Significance. This sequence change replaces aspartic acid, which is acidic and polar, with histidine, which is basic and polar, at codon 1631 of the HIVEP2 protein (p.Asp1631His). This variant is not present in population databases (gnomAD no frequency). This variant has not been reported in the literature in individuals affected with HIVEP2-related conditions. Advanced modeling of protein sequence and biophysical properties (such as structural, functional, and spatial information, amino acid conservation, physicochemical variation, residue mobility, and thermodynamic stability) performed at Invitae indicates that this missense variant is expected to disrupt HIVEP2 protein function.

NM_006734.4(HIVEP2):c.4891G>C (p.Asp1631His)

Gene: HIVEP2 (HIVEP zinc finger 2; minus strand). Cytogenetic location: 6q24.2.
Variant type: single nucleotide variant.
Coding change: c.4891G>C on transcript NM_006734.4 (MANE Select); coding-DNA position 4891, G replaced by C.
Protein change: p.Asp1631His; replaces aspartic acid 1631 with histidine.
Molecular consequence: missense variant.
Genome position (GRCh38, 1-based): chr6:142,769,848, C>G on the plus strand (G>C on the coding strand, the complement: HIVEP2 is on the minus strand). VCF-style: chr6-142769848-C-G. GRCh37 (hg19) VCF-style: chr6-143090985-C-G.
Other names: short protein forms D1631H.
Identifiers: ClinVar variation 2753078 (VCV002753078.3), dbSNP rs2482818535, ClinGen allele CA365897528.